The following is an entry in ClinVar:

NC_000001.10:g.(?_215799123)_(216040532_?)del

Gene: USH2A (usherin; minus strand). Cytogenetic location: 1q41.
Variant type: Deletion.
Identifiers: ClinVar variation 3248067 (VCV003248067.1).

ClinVar aggregate classification (germline): Pathogenic (1 of 4 stars; one submission).

Submission:

Labcorp Genetics (formerly Invitae), Labcorp
Classification: Pathogenic. Last evaluated: 2023-08-05. Review status: criteria provided, single submitter. Criteria: Invitae Variant Classification Sherloc (09022015). Collection method: clinical testing. Allele origin: unknown.
Comment: For these reasons, this variant has been classified as Pathogenic. This variant disrupts a region of the USH2A protein in which other variant(s) (p.Ile5166Val) have been determined to be pathogenic (PMID: 26969326, 27460420, 32531858). This suggests that this is a clinically significant region of the protein, and that variants that disrupt it are likely to be disease-causing. This variant has not been reported in the literature in individuals affected with USH2A-related conditions. This variant is a gross deletion of the genomic region encompassing exon(s) 44-72 of the USH2A gene, which includes the termination codon. This deletion extends beyond the assayed region for this gene and therefore may encompass additional genes. While this deletion is not anticipated to lead to nonsense mediated decay, it is expected to alter mRNA translation or result in a truncated protein product.

Literature cited by the submitters: PubMed 26969326; PubMed 27460420; PubMed 32531858.